The following is an entry in ClinVar:

NM_001165963.4(SCN1A):c.4270T>C (p.Ser1424Pro)

Genes: SCN1A (sodium voltage-gated channel alpha subunit 1; minus strand), LOC102724058 (uncharacterized LOC102724058; plus strand). Cytogenetic location: 2q24.3.
Variant type: single nucleotide variant.
Coding change: c.4270T>C on transcript NM_001165963.4 (MANE Select); coding-DNA position 4270, T replaced by C.
Protein change: p.Ser1424Pro; replaces serine 1424 with proline.
Molecular consequence: missense variant. On other transcripts: non-coding transcript variant (1).
Genome position (GRCh38, 1-based): chr2:166,002,486, A>G on the plus strand (T>C on the coding strand, the complement: SCN1A is on the minus strand). VCF-style: chr2-166002486-A-G. GRCh37 (hg19) VCF-style: chr2-166858996-A-G.
Other names: c.4186T>C, p.Ser1396Pro (NM_001165964.3, NM_001353957.2, NM_001353958.2); c.4270T>C, p.Ser1424Pro (NM_001202435.3, NM_001353948.2); c.4237T>C, p.Ser1413Pro (NM_001353949.2, NM_001353950.2, NM_001353951.2 and 2 more transcripts); c.4234T>C, p.Ser1412Pro (NM_001353954.2, NM_001353955.2); c.4183T>C, p.Ser1395Pro (NM_001353960.2); c.1828T>C, p.Ser610Pro (NM_001353961.2); short protein forms S1395P, S1396P, S1412P, S1413P, S1424P, S610P.
Identifiers: ClinVar variation 1705395 (VCV001705395.1), dbSNP rs2468433478, ClinGen allele CA349049890.

ClinVar aggregate classification (germline): Uncertain significance (1 of 4 stars; one submission).

Conditions:
Severe myoclonic epilepsy in infancy (DRVT). Also called: Epileptic encephalopathy, early infantile, 6 (Dravet syndrome); SEVERE MYOCLONIC EPILEPSY OF INFANCY; DEVELOPMENTAL AND EPILEPTIC ENCEPHALOPATHY 6A; Severe Myoclonic Epilepsy in Infancy (SMEI); Dravet syndrome. Identifiers: Orphanet 33069, MedGen C0751122, MONDO:0100135, OMIM 607208.

Submission:

3billion
Classification: Uncertain significance for Severe myoclonic epilepsy in infancy. Last evaluated: 2022-09-01. Review status: criteria provided, single submitter. Criteria: ACMG Guidelines, 2015. Collection method: clinical testing. Allele origin: germline. Affected: yes. Observed: 1 heterozygote.
Comment: The variant is not observed in the gnomAD v2.1.1 dataset. Missense changes are a common disease-causing mechanism. In silico tool predictions suggest damaging effect of the variant on gene or gene product (REVEL: 0.89; 3Cnet: 0.98). Therefore, this variant is classified as uncertain significance according to the recommendation of ACMG/AMP guideline.